The following is an entry in ClinVar:

NM_000138.5(FBN1):c.6938G>A (p.Ser2313Asn)

Gene: FBN1 (fibrillin 1; minus strand). Cytogenetic location: 15q21.1.
Variant type: single nucleotide variant.
Coding change: c.6938G>A on transcript NM_000138.5 (MANE Select); coding-DNA position 6938, G replaced by A.
Protein change: p.Ser2313Asn; replaces serine 2313 with asparagine.
Molecular consequence: missense variant.
Genome position (GRCh38, 1-based): chr15:48,428,405, C>T on the plus strand (G>A on the coding strand, the complement: FBN1 is on the minus strand). VCF-style: chr15-48428405-C-T. GRCh37 (hg19) VCF-style: chr15-48720602-C-T.
Other names: c.6938G>A, p.Ser2313Asn (NM_001406716.1); short protein forms S2313N.
Identifiers: ClinVar variation 4756787 (VCV004756787.1).
Genomic context (GRCh38, chr15:48,428,405, plus strand): 5'-CCAAGGCACTCGTCCTGGTTGGGGCTGGCGGTAAACCCATCATTACACTCACAGGTGTAG[C>T]TCCCACGGGTGTTGAGGCAGCGCCCATTCTCACAGATCCCTGGCTTCGTCTGACATTCAT-3'
Protein context (NP_000129.3, residues 2303-2323): ENGRCLNTRG[Ser2313Asn]YTCECNDGFT

ClinVar aggregate classification (germline): Uncertain significance (1 of 4 stars; one submission).

Conditions:
Familial thoracic aortic aneurysm and aortic dissection (TAAD). Also called: Thoracic aortic aneurysms and dissections. Identifiers: Orphanet 91387, MedGen C4707243, MONDO:0019625.

Submission:

Color Diagnostics, LLC DBA Color Health
Classification: Uncertain significance for Familial thoracic aortic aneurysm and aortic dissection. Last evaluated: 2025-05-25. Review status: criteria provided, single submitter. Criteria: ACMG Guidelines, 2015. Collection method: clinical testing. Allele origin: germline.
Comment: This missense variant replaces serine with asparagine at codon 2313 of the FBN1 protein. Computational prediction suggests that this variant may have deleterious impact on protein structure and function. To our knowledge, functional studies have not been reported for this variant. This variant has not been reported in individuals affected with FBN1-related disorders in the literature. This variant has not been identified in the general population by the Genome Aggregation Database (gnomAD). The available evidence is insufficient to determine the role of this variant in disease conclusively. Therefore, this variant is classified as a Variant of Uncertain Significance.